The following is an entry in ClinVar:

ClinVar aggregate classification (germline): Uncertain significance. Review status: criteria provided, multiple submitters, no conflicts (2 of 4 stars). 2 submissions from 2 submitters: Uncertain significance (2). Last evaluated 2023-11-10.

Conditions:
Familial cancer of breast. Also called: BREAST CANCER, FAMILIAL; hereditary breast carcinoma; Hereditary breast cancer. Identifiers: Orphanet 227535, MedGen C0346153, MONDO:0016419, OMIM 114480. Disease mechanism: loss of function.
Fanconi anemia complementation group J. Also called: BRIP1-Related Fanconi Anemia. Identifiers: Orphanet 84, MedGen C1836860, MONDO:0012187, OMIM 609054.
Hereditary cancer-predisposing syndrome. Also called: Tumor predisposition; Hereditary Cancer Syndrome; Neoplastic Syndromes, Hereditary; Hereditary neoplastic syndrome. Identifiers: Orphanet 140162, MedGen C0027672, MeSH D009386, MONDO:0015356.

Allele frequency attached by ClinVar (database versions not stated): TOPMed below 0.00001.

Submissions (2):

Ambry Genetics
Classification: Uncertain significance for Hereditary cancer-predisposing syndrome. Last evaluated: 2023-11-10. Review status: criteria provided, single submitter. Criteria: Ambry Variant Classification Scheme 2023. Collection method: clinical testing. Allele origin: germline.
Comment: The p.D336V variant (also known as c.1007A>T), located in coding exon 7 of the BRIP1 gene, results from an A to T substitution at nucleotide position 1007. The aspartic acid at codon 336 is replaced by valine, an amino acid with highly dissimilar properties. This amino acid position is conserved. In addition, this alteration is predicted to be deleterious by in silico analysis. Since supporting evidence is limited at this time, the clinical significance of this alteration remains unclear.

Labcorp Genetics (formerly Invitae), Labcorp
Classification: Uncertain significance for Familial cancer of breast; Fanconi anemia complementation group J. Last evaluated: 2023-09-25. Review status: criteria provided, single submitter. Criteria: Invitae Variant Classification Sherloc (09022015). Collection method: clinical testing. Allele origin: germline.
Comment: In summary, the available evidence is currently insufficient to determine the role of this variant in disease. Therefore, it has been classified as a Variant of Uncertain Significance. Advanced modeling of protein sequence and biophysical properties (such as structural, functional, and spatial information, amino acid conservation, physicochemical variation, residue mobility, and thermodynamic stability) performed at Invitae indicates that this missense variant is expected to disrupt BRIP1 protein function. This variant has not been reported in the literature in individuals affected with BRIP1-related conditions. This variant is not present in population databases (gnomAD no frequency). This sequence change replaces aspartic acid, which is acidic and polar, with valine, which is neutral and non-polar, at codon 336 of the BRIP1 protein (p.Asp336Val).

NM_032043.3(BRIP1):c.1007A>T (p.Asp336Val)

Gene: BRIP1 (BRCA1 interacting DNA helicase 1; minus strand). Cytogenetic location: 17q23.2.
Variant type: single nucleotide variant.
Coding change: c.1007A>T on transcript NM_032043.3 (MANE Select); coding-DNA position 1007, A replaced by T.
Protein change: p.Asp336Val; replaces aspartic acid 336 with valine.
Molecular consequence: missense variant.
Genome position (GRCh38, 1-based): chr17:61,801,386, T>A on the plus strand (A>T on the coding strand, the complement: BRIP1 is on the minus strand). VCF-style: chr17-61801386-T-A. GRCh37 (hg19) VCF-style: chr17-59878747-T-A.
Other names: short protein forms D336V.
Identifiers: ClinVar variation 2952245 (VCV002952245.4), dbSNP rs1430929794, ClinGen allele CA400484126.